The following is an entry in ClinVar:

ClinVar aggregate classification (germline): Likely pathogenic (1 of 4 stars; one submission).

Conditions:
RASopathy. Also called: rasopathies; Noonan spectrum disorder. Identifiers: Orphanet 536391, MedGen C5555857, MONDO:0021060.

Submission:

Labcorp Genetics (formerly Invitae), Labcorp
Classification: Likely pathogenic for RASopathy. Last evaluated: 2022-02-09. Review status: criteria provided, single submitter. Criteria: Invitae Variant Classification Sherloc (09022015). Collection method: clinical testing. Allele origin: germline.
Comment: In summary, the currently available evidence indicates that the variant is pathogenic, but additional data are needed to prove that conclusively. Therefore, this variant has been classified as Likely Pathogenic. This variant disrupts the p.Glu139 amino acid residue in PTPN11. Other variant(s) that disrupt this residue have been determined to be pathogenic (PMID: 11992261, 17339163, 18372317, 19020799, 22315187, 23584145). This suggests that this residue is clinically significant, and that variants that disrupt this residue are likely to be disease-causing. Advanced modeling of protein sequence and biophysical properties (such as structural, functional, and spatial information, amino acid conservation, physicochemical variation, residue mobility, and thermodynamic stability) performed at Invitae indicates that this missense variant is expected to disrupt PTPN11 protein function. This variant has not been reported in the literature in individuals affected with PTPN11-related conditions. This variant is not present in population databases (gnomAD no frequency). This sequence change replaces glutamic acid, which is acidic and polar, with glycine, which is neutral and non-polar, at codon 139 of the PTPN11 protein (p.Glu139Gly).

Literature cited by the submitters: PubMed 11992261; PubMed 17339163; PubMed 18372317; PubMed 19020799; PubMed 22315187; PubMed 23584145.

NM_002834.5(PTPN11):c.416A>G (p.Glu139Gly)

Gene: PTPN11 (protein tyrosine phosphatase non-receptor type 11; plus strand). Cytogenetic location: 12q24.13.
Variant type: single nucleotide variant.
Coding change: c.416A>G on transcript NM_002834.5 (MANE Select); coding-DNA position 416, A replaced by G.
Protein change: p.Glu139Gly; replaces glutamic acid 139 with glycine.
Molecular consequence: missense variant.
Genome position (GRCh38, 1-based): chr12:112,453,278, A>G. VCF-style: chr12-112453278-A-G. GRCh37 (hg19) VCF-style: chr12-112891082-A-G.
Other names: c.416A>G, p.Glu139Gly (NM_001330437.2, NM_080601.3); c.413A>G, p.Glu138Gly (NM_001374625.1); short protein forms E138G, E139G.
Identifiers: ClinVar variation 2095543 (VCV002095543.4), dbSNP rs2135866938, ClinGen allele CA386781187.